The following is an entry in ClinVar:

ClinVar aggregate classification (germline): Benign. Review status: criteria provided, multiple submitters, no conflicts (2 of 4 stars). 8 submissions from 8 submitters: Benign (7). 1 of the submissions does not count toward it. Last evaluated 2026-01-28.

Conditions:
Mitochondrial DNA depletion syndrome, encephalomyopathic form with methylmalonic aciduria (MTDPS5). Also called: Mitochondrial encephalomyopathy aminoacidopathy; MITOCHONDRIAL DNA DEPLETION SYNDROME, ENCEPHALOMYOPATHIC FORM, WITH OR WITHOUT METHYLMALONIC ACIDURIA, AUTOSOMAL RECESSIVE, SUCLA2-RELATED; SUCLA2-Related Mitochondrial DNA Depletion Syndrome, Encephalomyopathic Form with Methylmalonic Aciduria; Mitochondrial DNA depletion syndrome 5 (encephalomyopathic with or without methylmalonic aciduria). Identifiers: Orphanet 1933, MedGen C5980207, MONDO:0012791, OMIM 612073.

Allele frequency attached by ClinVar (database versions not stated): gnomAD exomes 0.00216 and 0.00569; ExAC 0.00674; 1000 Genomes Project 0.02196; gnomAD 0.02230 and 0.02383; 1000 Genomes Project 30x 0.02436; TOPMed 0.02527; ESP Exome Variant Server 0.02607.
gnomAD v4.1: 6,685 of 1,614,086 alleles (0.41%); highest among the groups gnomAD compares: African/African-American, 7.6%; 218 homozygotes.

Submissions (8):

Labcorp Genetics (formerly Invitae), Labcorp
Classification: Benign for Mitochondrial DNA depletion syndrome, encephalomyopathic form with methylmalonic aciduria. Last evaluated: 2026-01-28. Review status: criteria provided, single submitter. Criteria: Invitae Variant Classification Sherloc (09022015). Collection method: clinical testing. Allele origin: germline.

ARUP Laboratories, Molecular Genetics and Genomics, ARUP Laboratories
Classification: Benign for Mitochondrial DNA depletion syndrome, encephalomyopathic form with methylmalonic aciduria. Last evaluated: 2025-05-26. Review status: criteria provided, single submitter. Criteria: ARUP Molecular Germline Variant Investigation Process 2024. Collection method: clinical testing. Allele origin: germline.

Illumina Laboratory Services, Illumina
Classification: Benign for Mitochondrial DNA depletion syndrome, encephalomyopathic form with methylmalonic aciduria. Last evaluated: 2018-01-13. Review status: criteria provided, single submitter. Criteria: ICSL Variant Classification Criteria 13 December 2019. Collection method: clinical testing. Allele origin: germline.
Comment: This variant was observed in the ICSL laboratory as part of a predisposition screen in an ostensibly healthy population. It had not been previously curated by ICSL or reported in the Human Gene Mutation Database (HGMD: prior to June 1st, 2018), and was therefore a candidate for classification through an automated scoring system. Utilizing variant allele frequency, disease prevalence and penetrance estimates, and inheritance mode, an automated score was calculated to assess if this variant is too frequent to cause the disease. Based on the score and internal cut-off values, a variant classified as benign is not then subjected to further curation. The score for this variant resulted in a classification of benign for this disease.

Athena Diagnostics
Classification: Benign. Last evaluated: 2017-11-20. Review status: criteria provided, single submitter. Criteria: Athena Diagnostics Criteria. Collection method: clinical testing. Allele origin: germline.

Center for Pediatric Genomic Medicine, Children's Mercy Hospital and Clinics
Classification: Benign. Last evaluated: 2015-11-23. Review status: criteria provided, single submitter. Criteria: ACMG Guidelines, 2015. Collection method: clinical testing. Allele origin: germline.

GeneDx
Classification: Benign. Last evaluated: 2011-10-17. Review status: criteria provided, single submitter. Criteria: GeneDx Variant Classification (06012015). Collection method: clinical testing. Allele origin: germline. Affected: yes.
Comment: This variant is considered likely benign or benign based on one or more of the following criteria: it is a conservative change, it occurs at a poorly conserved position in the protein, it is predicted to be benign by multiple in silico algorithms, and/or has population frequency not consistent with disease.

Breakthrough Genomics
Classification: Benign. Review status: criteria provided, single submitter. Criteria: ACMG Guidelines, 2015. Collection method: not provided. Allele origin: germline. Inheritance: Autosomal recessive inheritance. Affected: yes.

Mayo Clinic Laboratories, Mayo Clinic
Classification: Benign. Last evaluated: 2017-09-18. Review status: no assertion criteria provided. Collection method: clinical testing. Allele origin: unknown. Not counted in ClinVar's aggregate classification.

NM_003850.3(SUCLA2):c.110T>G (p.Leu37Trp)

Gene: SUCLA2 (succinate-CoA ligase ADP-forming subunit beta; minus strand). Cytogenetic location: 13q14.2.
Variant type: single nucleotide variant.
Coding change: c.110T>G on transcript NM_003850.3 (MANE Select); coding-DNA position 110, T replaced by G.
Protein change: p.Leu37Trp; replaces leucine 37 with tryptophan.
Molecular consequence: missense variant.
Genome position (GRCh38, 1-based): chr13:47,997,004, A>C on the plus strand (T>G on the coding strand, the complement: SUCLA2 is on the minus strand). VCF-style: chr13-47997004-A-C. GRCh37 (hg19) VCF-style: chr13-48571139-A-C.
Other names: p.L37W:TTG>TGG; short protein forms L37W.
Identifiers: ClinVar variation 139363 (VCV000139363.24), dbSNP rs62636645, ClinGen allele CA293809.